The following is an entry in ClinVar:

ClinVar aggregate classification (germline): Uncertain significance. Review status: criteria provided, multiple submitters, no conflicts (2 of 4 stars). 3 submissions from 3 submitters: Uncertain significance (3). Last evaluated 2025-10-30.

Conditions:
TTN-related disorder. Also called: TTN-related condition; TTN-related disease; TTN-related disorders.
Autosomal recessive limb-girdle muscular dystrophy type 2J (LGMDR10). Also called: Limb-girdle muscular dystrophy, type 2J; MUSCULAR DYSTROPHY, LIMB-GIRDLE, AUTOSOMAL RECESSIVE 10. Identifiers: Orphanet 140922, MedGen C1837342, MONDO:0012127, OMIM 608807.
Dilated cardiomyopathy 1G (CMD1G). Identifiers: Orphanet 154, MedGen C1858763, MONDO:0011400, OMIM 604145.

Allele frequency attached by ClinVar (database versions not stated): gnomAD exomes 0.00001; ExAC 0.00002; gnomAD 0.00002 and 0.00003; TOPMed 0.00002.
gnomAD v4.1: 25 of 1,613,478 alleles (0.0015%); highest among the groups gnomAD compares: African/African-American, 0.0027%; no homozygotes.

Submissions (3):

PreventionGenetics, part of Exact Sciences
Classification: Uncertain significance for TTN-related condition. Last evaluated: 2025-10-30. Review status: criteria provided, single submitter. Criteria: ACMG Guidelines, 2015. Collection method: clinical testing. Allele origin: germline.
Comment: The TTN c.21907G>A variant is predicted to result in the amino acid substitution p.Glu7303Lys. To our knowledge, this variant has not been reported in the literature. This variant is reported in 0.0027% of alleles in individuals of European (Non-Finnish) descent in gnomAD. At this time, the clinical significance of this variant is uncertain due to the absence of conclusive functional and genetic evidence.

Athena Diagnostics
Classification: Uncertain significance. Last evaluated: 2018-02-09. Review status: criteria provided, single submitter. Criteria: Athena Diagnostics Criteria. Collection method: clinical testing. Allele origin: germline.

Labcorp Genetics (formerly Invitae), Labcorp
Classification: Uncertain significance for Dilated cardiomyopathy 1G; Autosomal recessive limb-girdle muscular dystrophy type 2J. Last evaluated: 2017-02-11. Review status: criteria provided, single submitter. Criteria: Invitae Variant Classification Sherloc (09022015). Collection method: clinical testing. Allele origin: germline.

NM_001267550.2(TTN):c.21907G>A (p.Glu7303Lys)

Gene: TTN (titin; minus strand). Cytogenetic location: 2q31.2.
Variant type: single nucleotide variant.
Coding change: c.21907G>A on transcript NM_001267550.2 (MANE Select); coding-DNA position 21907, G replaced by A.
Protein change: p.Glu7303Lys; replaces glutamic acid 7303 with lysine.
Molecular consequence: missense variant. On other transcripts: intron variant (3).
Genome position (GRCh38, 1-based): chr2:178,723,100, C>T on the plus strand (G>A on the coding strand, the complement: TTN is on the minus strand). VCF-style: chr2-178723100-C-T. GRCh37 (hg19) VCF-style: chr2-179587827-C-T.
Other names: c.21907G>A (LRG_391t1); c.20956G>A, p.Glu6986Lys (NM_001256850.1); c.18175G>A, p.Glu6059Lys (NM_133378.4); c.13282+14982G>A (NM_003319.4); c.13858+14982G>A (NM_133437.4); c.13657+14982G>A (NM_133432.3); short protein forms E7303K, E6059K, E6986K.
Identifiers: ClinVar variation 466900 (VCV000466900.5), dbSNP rs774950387, ClinGen allele CA2000932.